The following is an entry in ClinVar:

ClinVar aggregate classification (germline): Benign. Review status: criteria provided, multiple submitters, no conflicts (2 of 4 stars). 2 submissions from 2 submitters: Benign (2). Last evaluated 2018-06-14.

Allele frequency attached by ClinVar (database versions not stated): 1000 Genomes Project 30x 0.98938; 1000 Genomes Project 0.98942; TOPMed 0.99528; gnomAD 0.99588 and 0.99559.

Submissions (2):

GeneDx
Classification: Benign. Last evaluated: 2018-06-14. Review status: criteria provided, single submitter. Criteria: GeneDx Variant Classification (06012015). Collection method: clinical testing. Allele origin: germline. Affected: yes.
Comment: This variant is considered likely benign or benign based on one or more of the following criteria: it is a conservative change, it occurs at a poorly conserved position in the protein, it is predicted to be benign by multiple in silico algorithms, and/or has population frequency not consistent with disease.

Breakthrough Genomics
Classification: Benign. Review status: criteria provided, single submitter. Criteria: ACMG Guidelines, 2015. Collection method: not provided. Allele origin: germline. Inheritance: Autosomal recessive inheritance. Affected: yes.

NM_006767.3(LZTR1):c.-160G>C

Gene: LZTR1 (leucine zipper like post translational regulator 1; plus strand). Cytogenetic location: 22q11.21.
Variant type: single nucleotide variant.
Coding change: c.-160G>C on transcript NM_006767.3; 160 bases upstream of the start codon, G replaced by C.
Genome position (GRCh38, 1-based): chr22:20,982,212, G>C. VCF-style: chr22-20982212-G-C. GRCh37 (hg19) VCF-style: chr22-21336501-G-C.
Identifiers: ClinVar variation 561399 (VCV000561399.4), dbSNP rs178279, ClinGen allele CA322315841.